The following is an entry in ClinVar:

ClinVar aggregate classification (germline): Conflicting classifications of pathogenicity. Review status: criteria provided, conflicting classifications (1 of 4 stars). 3 submissions from 3 submitters: Likely pathogenic (1); Uncertain significance (2). Last evaluated 2026-03-23.

Conditions:
Hereditary cancer-predisposing syndrome. Also called: Neoplastic Syndromes, Hereditary; Tumor predisposition; Hereditary neoplastic syndrome; Hereditary Cancer Syndrome. Identifiers: Orphanet 140162, MedGen C0027672, MeSH D009386, MONDO:0015356.
Multiple endocrine neoplasia, type 1 (MEN1). Also called: MEN I; WERMER SYNDROME; Endocrine adenomatosis multiple; MEN 1; MEA I. Identifiers: Orphanet 652, MedGen C0025267, MeSH D018761, MONDO:0007540, OMIM 131100.

Submissions (3):

Ambry Genetics
Classification: Likely pathogenic for Hereditary cancer-predisposing syndrome. Last evaluated: 2026-03-23. Review status: criteria provided, single submitter. Criteria: Ambry Variant Classification Scheme 2023. Collection method: clinical testing. Allele origin: germline.
Comment: The p.H199Q variant (also known as c.597C>A), located in coding exon 2 of the MEN1 gene, results from a C to A substitution at nucleotide position 597. The histidine at codon 199 is replaced by glutamine, an amino acid with highly similar properties. This variant has been observed in at least one individual with a personal and/or family history that is consistent with MEN1-related disease (Ambry internal data). This variant is considered to be rare based on population cohorts in the Genome Aggregation Database (gnomAD). This amino acid position is highly conserved in available vertebrate species. In addition, this alteration is predicted to be deleterious by in silico analysis. Based on the majority of available evidence to date, this variant is likely to be pathogenic.

Dasa
Classification: Uncertain significance for Multiple endocrine neoplasia, type 1. Last evaluated: 2025-12-29. Review status: criteria provided, single submitter. Criteria: DASA Assertion Criteria. Collection method: clinical testing. Allele origin: germline.
Comment: NM_001370259.2(MEN1):c.597C>A (p.His199Gln) is a missense variant that results in the substitution of histidine with glutamine. This variant has been reported in individuals with Multiple endocrine neoplasia, type 1. Also, this variant is absent from population databases. Computational prediction algorithms are consistent with a deleterious effect. The currently available literature and clinical evidence are not sufficient to establish a definitive association between this variant and the reported condition. Therefore, this variant is classified as a variant of uncertain significance.

Labcorp Genetics (formerly Invitae), Labcorp
Classification: Uncertain significance for Multiple endocrine neoplasia, type 1. Last evaluated: 2022-05-05. Review status: criteria provided, single submitter. Criteria: Invitae Variant Classification Sherloc (09022015). Collection method: clinical testing. Allele origin: germline.
Comment: This variant is not present in population databases (gnomAD no frequency). This missense change has been observed in individual(s) with clinical features of MEN1-related conditions (Invitae). ClinVar contains an entry for this variant (Variation ID: 457328). Advanced modeling of protein sequence and biophysical properties (such as structural, functional, and spatial information, amino acid conservation, physicochemical variation, residue mobility, and thermodynamic stability) performed at Invitae indicates that this missense variant is expected to disrupt MEN1 protein function. Algorithms developed to predict the effect of sequence changes on RNA splicing suggest that this variant may create or strengthen a splice site. In summary, the available evidence is currently insufficient to determine the role of this variant in disease. Therefore, it has been classified as a Variant of Uncertain Significance. This sequence change replaces histidine, which is basic and polar, with glutamine, which is neutral and polar, at codon 199 of the MEN1 protein (p.His199Gln).

NM_001370259.2(MEN1):c.597C>A (p.His199Gln)

Gene: MEN1 (menin 1; minus strand). Cytogenetic location: 11q13.1.
Variant type: single nucleotide variant.
Coding change: c.597C>A on transcript NM_001370259.2 (MANE Select); coding-DNA position 597, C replaced by A.
Protein change: p.His199Gln; replaces histidine 199 with glutamine.
Molecular consequence: missense variant. On other transcripts: intron variant (2).
Genome position (GRCh38, 1-based): chr11:64,807,948, G>T on the plus strand (C>A on the coding strand, the complement: MEN1 is on the minus strand). VCF-style: chr11-64807948-G-T. GRCh37 (hg19) VCF-style: chr11-64575420-G-T.
Other names: c.612C>A, p.His204Gln (NM_000244.4, NM_130800.3, NM_130801.3 and 3 more transcripts); c.597C>A, p.His199Gln (NM_001370251.2, NM_001370260.2, NM_001370261.2 and 1 more transcripts); c.549+48C>A (NM_001370263.2, NM_001370262.2); short protein forms H199Q, H204Q.
Identifiers: ClinVar variation 457328 (VCV000457328.14), dbSNP rs150512958, ClinGen allele CA381185509.